The following is an entry in ClinVar:

NM_001009944.3(PKD1):c.9395C>G (p.Ser3132Ter)

Gene: PKD1 (polycystin 1, transient receptor potential channel interacting; minus strand). Cytogenetic location: 16p13.3.
Variant type: single nucleotide variant.
Coding change: c.9395C>G on transcript NM_001009944.3 (MANE Select); coding-DNA position 9395, C replaced by G.
Protein change: p.Ser3132Ter; replaces serine 3132 with a stop codon.
Molecular consequence: nonsense.
Genome position (GRCh38, 1-based): chr16:2,102,063, G>C on the plus strand (C>G on the coding strand, the complement: PKD1 is on the minus strand). VCF-style: chr16-2102063-G-C. GRCh37 (hg19) VCF-style: chr16-2152064-G-C.
Other names: c.9395C>G, p.Ser3132Ter (NM_000296.4); short protein forms S3132*.
Identifiers: ClinVar variation 3579103 (VCV003579103.2).
Genomic context (GRCh38, chr16:2,102,063, plus strand): 5'-GCAACCAGCACAGCCAGTGAGAGCAGGGGAGGCCCTGCCACCCCGCTGCGCCCCTCACCT[G>C]AGCCCCGGCCCCAGCCTGTCTTGACGAGGATCTCGTACTTGAAGCGGCCCCGCTGCCCAC-3'

ClinVar aggregate classification (germline): Pathogenic. Review status: criteria provided, multiple submitters, no conflicts (2 of 4 stars). 2 submissions from 2 submitters: Pathogenic (2). Last evaluated 2026-06-22.

Conditions:
Polycystic kidney disease, adult type (PKD1). Also called: Polycystic Kidney, Autosomal Dominant; POLYCYSTIC KIDNEY DISEASE, ADULT, TYPE I; Polycystic Kidney Disease 1, Autosomal Dominant; Polycystic kidney disease 1; Polycystic kidney disease 1, severe; POLYCYSTIC KIDNEY DISEASE 1 WITH OR WITHOUT POLYCYSTIC LIVER DISEASE. Identifiers: MedGen C3149841, MONDO:0008263, OMIM 173900.

Submissions (2):

MVZ Medizinische Genetik Mainz
Classification: Pathogenic for Polycystic kidney disease, adult type. Last evaluated: 2026-06-22. Review status: criteria provided, single submitter. Criteria: UK Practice Guidelines For Variant Classification V4 01 2020. Collection method: clinical testing. Allele origin: germline. Inheritance: Autosomal dominant inheritance. Affected: yes. Observed: 1 variant allele.
Comment: ACMG Criteria: PVS1,PS4_MOD,PM2_SUP,PP4

Fulgent Genetics
Classification: Pathogenic for Polycystic kidney disease, adult type. Last evaluated: 2024-06-17. Review status: criteria provided, single submitter. Criteria: ACMG Guidelines, 2015. Collection method: clinical testing. Allele origin: germline.